The following is an entry in ClinVar:

NM_181882.3(PRX):c.494G>A (p.Arg165His)

Gene: PRX (periaxin; minus strand). Cytogenetic location: 19q13.2.
Variant type: single nucleotide variant.
Coding change: c.494G>A on transcript NM_181882.3 (MANE Select); coding-DNA position 494, G replaced by A.
Protein change: p.Arg165His; replaces arginine 165 with histidine.
Molecular consequence: missense variant. On other transcripts: 3 prime UTR variant (1).
Genome position (GRCh38, 1-based): chr19:40,397,858, C>T on the plus strand (G>A on the coding strand, the complement: PRX is on the minus strand). VCF-style: chr19-40397858-C-T. GRCh37 (hg19) VCF-style: chr19-40903765-C-T.
Other names: c.*699G>A (NM_020956.2); c.494G>A (NM_181882.2); short protein forms R165H.
Identifiers: ClinVar variation 1520228 (VCV001520228.7), dbSNP rs780278195, ClinGen allele CA9444444.

ClinVar aggregate classification (germline): Uncertain significance. Review status: criteria provided, multiple submitters, no conflicts (2 of 4 stars). 3 submissions from 3 submitters: Uncertain significance (3). Last evaluated 2025-07-30.

Conditions:
Inborn genetic diseases. Identifiers: MedGen C0950123, MeSH D030342.
Charcot-Marie-Tooth disease type 4. Also called: Charcot-Marie-Tooth, Type 4; Charcot-Marie-Tooth disease, type IV. Identifiers: Orphanet 64749, MedGen C4082197, MONDO:0018995.

Allele frequency attached by ClinVar (database versions not stated): TOPMed below 0.00001; gnomAD exomes 0.00001; ExAC 0.00003.
gnomAD v4.1: 17 of 1,606,554 alleles (0.0011%); highest among the groups gnomAD compares: Non-Finnish European, 0.0012%; no homozygotes.

Submissions (3):

GeneDx
Classification: Uncertain significance. Last evaluated: 2025-07-30. Review status: criteria provided, single submitter. Criteria: GeneDx Variant Classification Process June 2021. Collection method: clinical testing. Allele origin: germline. Affected: yes.
Comment: In silico analysis suggests that this missense variant does not alter protein structure/function; Has not been previously published as pathogenic or benign to our knowledge

Ambry Genetics
Classification: Uncertain significance for Inborn genetic diseases. Last evaluated: 2024-03-07. Review status: criteria provided, single submitter. Criteria: Ambry Variant Classification Scheme 2023. Collection method: clinical testing. Allele origin: germline.

Labcorp Genetics (formerly Invitae), Labcorp
Classification: Uncertain significance for Charcot-Marie-Tooth disease type 4. Last evaluated: 2022-05-22. Review status: criteria provided, single submitter. Criteria: Invitae Variant Classification Sherloc (09022015). Collection method: clinical testing. Allele origin: germline.
Comment: In summary, the available evidence is currently insufficient to determine the role of this variant in disease. Therefore, it has been classified as a Variant of Uncertain Significance. Algorithms developed to predict the effect of missense changes on protein structure and function are either unavailable or do not agree on the potential impact of this missense change (SIFT: "Tolerated"; PolyPhen-2: "Possibly Damaging"; Align-GVGD: "Class C0"). This variant has not been reported in the literature in individuals affected with PRX-related conditions. This variant is present in population databases (rs780278195, gnomAD 0.006%). This sequence change replaces arginine, which is basic and polar, with histidine, which is basic and polar, at codon 165 of the PRX protein (p.Arg165His).